The following is an entry in ClinVar:

NM_000352.6(ABCC8):c.4368C>G (p.Ile1456Met)

Gene: ABCC8 (ATP binding cassette subfamily C member 8; minus strand). Cytogenetic location: 11p15.1.
Variant type: single nucleotide variant.
Coding change: c.4368C>G on transcript NM_000352.6 (MANE Select); coding-DNA position 4368, C replaced by G.
Protein change: p.Ile1456Met; replaces isoleucine 1456 with methionine.
Molecular consequence: missense variant. On other transcripts: non-coding transcript variant (1).
Genome position (GRCh38, 1-based): chr11:17,395,215, G>C on the plus strand (C>G on the coding strand, the complement: ABCC8 is on the minus strand). VCF-style: chr11-17395215-G-C. GRCh37 (hg19) VCF-style: chr11-17416762-G-C.
Other names: c.4371C>G, p.Ile1457Met (NM_001287174.3); c.4434C>G, p.Ile1478Met (NM_001351295.2); c.4368C>G, p.Ile1456Met (NM_001351296.2); c.4365C>G, p.Ile1455Met (NM_001351297.2); short protein forms I1456M, I1457M, I1455M, I1478M.
Identifiers: ClinVar variation 35618 (VCV000035618.12), dbSNP rs193922403, ClinGen allele CA213460.

ClinVar aggregate classification (germline): Uncertain significance. Review status: criteria provided, multiple submitters, no conflicts (2 of 4 stars). 5 submissions from 4 submitters: Uncertain significance (4). 1 of the submissions does not count toward it. Last evaluated 2023-05-04.

Conditions:
Transitory neonatal diabetes mellitus. Also called: Transient neonatal diabetes mellitus. Identifiers: MedGen C0342273, MONDO:0020525, HP:0008255.
Maturity-onset diabetes of the young (MODY). Also called: Maturity onset diabetes mellitus in young. Identifiers: Orphanet 552, MedGen C0342276, MONDO:0018911, HP:0004904.

Submissions (5):

Women's Health and Genetics/Laboratory Corporation of America, LabCorp
Classification: Uncertain significance. Last evaluated: 2023-05-04. Review status: criteria provided, single submitter. Criteria: LabCorp Variant Classification Summary - May 2015. Collection method: clinical testing. Allele origin: germline.
Comment: Variant summary: ABCC8 c.4368C>G (p.Ile1456Met) results in a conservative amino acid change located in the ABC transporter-like, ATP-binding domain (IPR003439) of the encoded protein sequence. Four of five in-silico tools predict a damaging effect of the variant on protein function. The variant was absent in 224262 control chromosomes (gnomAD). The available data on variant occurrences in the general population are insufficient to allow any conclusion about variant significance. To our knowledge, no occurrence of c.4368C>G in individuals affected with Neonatal Diabetes Mellitus and no experimental evidence demonstrating its impact on protein function have been reported. Two clinical diagnostic laboratories have submitted clinical-significance assessments for this variant to ClinVar after 2014 and classified the variant as likely pathogenic, and as uncertain significance. Based on the evidence outlined above, the variant was classified as uncertain significance.

Labcorp Genetics (formerly Invitae), Labcorp
Classification: Uncertain significance. Last evaluated: 2021-09-24. Review status: criteria provided, single submitter. Criteria: Invitae Variant Classification Sherloc (09022015). Collection method: clinical testing. Allele origin: germline.
Comment: Advanced modeling of protein sequence and biophysical properties (such as structural, functional, and spatial information, amino acid conservation, physicochemical variation, residue mobility, and thermodynamic stability) performed at Invitae indicates that this missense variant is expected to disrupt ABCC8 protein function. ClinVar contains an entry for this variant (Variation ID: 35618). This variant has not been reported in the literature in individuals affected with ABCC8-related conditions. This variant is not present in population databases (ExAC no frequency). In summary, the available evidence is currently insufficient to determine the role of this variant in disease. Therefore, it has been classified as a Variant of Uncertain Significance. This sequence change replaces isoleucine with methionine at codon 1456 of the ABCC8 protein (p.Ile1456Met). The isoleucine residue is highly conserved and there is a small physicochemical difference between isoleucine and methionine.

Clinical Genomics, Uppaluri K&H Personalized Medicine Clinic
Classification: Uncertain significance for Maturity-onset diabetes of the young. Review status: criteria provided, single submitter. Criteria: K & H Uppaluri Personalized Medicine Clinic Variant Classification & Assertion Criteria_Updated V.1. Collection method: research. Allele origin: somatic. Inheritance: Somatic mutation.
Comment: Mutations in ABCC8 gene are associated with both neonatal diabetes mellitus as well as MODY. Patients with this mutation may have a better response to sulfonylureas. However, no sufficient evidence is found to ascertain the role of this particular variant ( rs193922403) in MODY yet.

Clinical Genomics, Uppaluri K&H Personalized Medicine Clinic
Classification: Uncertain significance for Transitory neonatal diabetes mellitus. Review status: criteria provided, single submitter. Criteria: K & H Uppaluri Personalized Medicine Clinic Variant Classification & Assertion Criteria_Updated V.1. Collection method: research. Allele origin: somatic. Inheritance: Somatic mutation.
Comment: Mutations in ABCC8 gene are associated with both neonatal diabetes mellitus as well as MODY. Patients with this mutation may have a better response to sulfonylureas. However, no sufficient evidence is found to ascertain the role of this particular variant (rs193922403 ) in neonatal diabetes yet.

Genetic Services Laboratory, University of Chicago
Classification: Likely pathogenic. Last evaluated: 2018-01-26. Review status: flagged submission. Criteria: ACMG Guidelines, 2015. Collection method: clinical testing. Allele origin: germline. Affected: yes. Not counted in ClinVar's aggregate classification.
ClinVar note: Reason: Claim with insufficient supporting evidence

Literature cited by the submitters: PubMed 16885549 (cited by Clinical Genomics, Uppaluri K&H Personalized Medicine Clinic); PubMed 21989597 (cited by Clinical Genomics, Uppaluri K&H Personalized Medicine Clinic); PubMed 27538677 (cited by Clinical Genomics, Uppaluri K&H Personalized Medicine Clinic); PubMed 18981553 (cited by Clinical Genomics, Uppaluri K&H Personalized Medicine Clinic); PubMed 32027066 (cited by Clinical Genomics, Uppaluri K&H Personalized Medicine Clinic); PubMed 16613899 (cited by Clinical Genomics, Uppaluri K&H Personalized Medicine Clinic); PubMed 18025408 (cited by Clinical Genomics, Uppaluri K&H Personalized Medicine Clinic); PubMed 32792356 (cited by Clinical Genomics, Uppaluri K&H Personalized Medicine Clinic).